The following is an entry in ClinVar:

ClinVar aggregate classification (germline): Pathogenic. Review status: criteria provided, multiple submitters, no conflicts (2 of 4 stars). 3 submissions from 3 submitters: Pathogenic (3). Last evaluated 2026-08-17.

Conditions:
Hereditary cancer-predisposing syndrome. Also called: Neoplastic Syndromes, Hereditary; Hereditary Cancer Syndrome; Hereditary neoplastic syndrome; Tumor predisposition. Identifiers: Orphanet 140162, MedGen C0027672, MeSH D009386, MONDO:0015356.
Hereditary breast ovarian cancer syndrome. Also called: Breast and ovarian cancer; Hereditary breast and ovarian cancer syndrome (HBOC); BRCA1- and BRCA2-Associated Hereditary Breast and Ovarian Cancer; Hereditary breast and ovarian cancer syndrome; Hereditary breast and ovarian cancer; Hereditary breast and/or ovarian cancer syndrome. Identifiers: Orphanet 145, MedGen C0677776, MeSH D061325, MONDO:0003582. Disease mechanism: loss of function.

Submissions (3):

Ambry Genetics
Classification: Pathogenic for Hereditary cancer-predisposing syndrome. Last evaluated: 2026-08-17. Review status: criteria provided, single submitter. Criteria: Ambry Variant Classification Scheme 2023. Collection method: clinical testing. Allele origin: germline.
Comment: The c.2984delA pathogenic mutation, located in coding exon 9 of the BRCA1 gene, results from a deletion of one nucleotide at nucleotide position 2984, causing a translational frameshift with a predicted alternate stop codon (p.K995Rfs*5). This variant is considered to be rare based on population cohorts in the Genome Aggregation Database (gnomAD). This alteration is expected to result in loss of function by premature protein truncation or nonsense-mediated mRNA decay. As such, this alteration is interpreted as a disease-causing mutation.

Color Diagnostics, LLC DBA Color Health
Classification: Pathogenic for Hereditary cancer-predisposing syndrome. Last evaluated: 2020-01-03. Review status: criteria provided, single submitter. Criteria: ACMG Guidelines, 2015. Collection method: clinical testing. Allele origin: germline.
Comment: This variant deletes 1 nucleotide in exon 10 of the BRCA1 gene, creating a frameshift and premature translation stop signal. This variant is expected to result in an absent or non-functional protein product. Splice site prediction tools suggest that this variant may not impact RNA splicing. To our knowledge, functional studies have not been performed for this variant. This variant has not been reported in individuals affected with hereditary cancer in the literature. This variant has not been identified in the general population by the Genome Aggregation Database (gnomAD). Loss of BRCA1 function is a known mechanism of disease. Based on the available evidence, this variant is classified as Pathogenic.

Labcorp Genetics (formerly Invitae), Labcorp
Classification: Pathogenic for Hereditary breast ovarian cancer syndrome. Last evaluated: 2019-12-22. Review status: criteria provided, single submitter. Criteria: Invitae Variant Classification Sherloc (09022015). Collection method: clinical testing. Allele origin: germline.
Comment: This sequence change creates a premature translational stop signal (p.Lys995Argfs*5) in the BRCA1 gene. It is expected to result in an absent or disrupted protein product. For these reasons, this variant has been classified as Pathogenic. Loss-of-function variants in BRCA1 are known to be pathogenic (PMID: 20104584). This variant has not been reported in the literature in individuals with BRCA1-related conditions. This variant is not present in population databases (ExAC no frequency).

Literature cited by the submitters: PubMed 20104584 (cited by Labcorp Genetics (formerly Invitae), Labcorp).

NM_007294.4(BRCA1):c.2984del (p.Lys995fs)

Gene: BRCA1 (BRCA1 DNA repair associated; minus strand). Cytogenetic location: 17q21.31.
Variant type: Deletion.
Coding change: c.2984del on transcript NM_007294.4 (MANE Select); coding-DNA position 2984, one base deleted (A; older notation c.2984delA).
Protein change: p.Lys995fs; shifts the reading frame from lysine 995.
Molecular consequence: frameshift variant. On other transcripts: intron variant (137).
Genome position (GRCh38, 1-based): chr17:43,092,547, T deleted on the plus strand (A on the coding strand, the reverse complement: BRCA1 is on the minus strand); the first of 2 consecutive T bases (chr17:43,092,547-43,092,548); deleting either gives the same sequence. VCF-style (leftmost placement, unchanged base first): chr17-43092546-CT-C. GRCh37 (hg19) VCF-style: chr17-41244563-CT-C.
Other names: c.2984delA (NM_007294.3); c.2774del, p.Lys925fs (NM_001407902.1, NM_001407904.1, NM_001407906.1 and 13 more transcripts); c.2771del, p.Lys924fs (NM_001407915.1, NM_001407916.1, NM_001407917.1 and 9 more transcripts); c.2861del, p.Lys954fs (NM_001407919.1, NM_001407937.1, NM_001407938.1 and 19 more transcripts); c.2720del, p.Lys907fs (NM_001407920.1, NM_001407921.1, NM_001407922.1 and 9 more transcripts); c.2717del, p.Lys906fs (NM_001407930.1, NM_001407931.1, NM_001407932.1 and 2 more transcripts); c.2858del, p.Lys953fs (NM_001407940.1, NM_001407941.1, NM_001407685.1 and 11 more transcripts); c.2843del, p.Lys948fs (NM_001407942.1, NM_001407944.1, NM_001407945.1 and 29 more transcripts); and 42 more; short protein forms K948fs, K995fs, K699fs, K867fs, K927fs, K947fs, K968fs, K969fs.
Identifiers: ClinVar variation 654333 (VCV000654333.14), dbSNP rs1597866339, ClinGen allele CA915950136.
Genomic context (GRCh38, chr17:43,092,546, plus strand): 5'-TCCCATTTCTCTTTCAGGTGACATTGAATGTTCCTCAAAGTTTTCCTCTAGCAGATTTTT[CT>C]TACATTTAGTTTTAACAAATGACTTGATGGGAAAAAGTGGTGGTATACGATATGGGTTTT-3'